The following is an entry in ClinVar:

ClinVar aggregate classification (germline): Uncertain significance (1 of 4 stars; one submission).

Submission:

Labcorp Genetics (formerly Invitae), Labcorp
Classification: Uncertain significance. Last evaluated: 2024-06-13. Review status: criteria provided, single submitter. Criteria: Invitae Variant Classification Sherloc (09022015). Collection method: clinical testing. Allele origin: germline.
Comment: This sequence change replaces arginine, which is basic and polar, with leucine, which is neutral and non-polar, at codon 834 of the MICAL1 protein (p.Arg834Leu). This variant is present in population databases (rs567174912, gnomAD 0.02%). This variant has not been reported in the literature in individuals affected with MICAL1-related conditions. ClinVar contains an entry for this variant (Variation ID: 1969207). An algorithm developed to predict the effect of missense changes on protein structure and function (PolyPhen-2) suggests that this variant is likely to be tolerated. In summary, the available evidence is currently insufficient to determine the role of this variant in disease. Therefore, it has been classified as a Variant of Uncertain Significance.

NM_022765.4(MICAL1):c.2444G>T (p.Arg815Leu)

Gene: MICAL1 (microtubule associated monooxygenase, calponin and LIM domain containing 1; minus strand). Cytogenetic location: 6q21.
Variant type: single nucleotide variant.
Coding change: c.2444G>T on transcript NM_022765.4 (MANE Select); coding-DNA position 2444, G replaced by T.
Protein change: p.Arg815Leu; replaces arginine 815 with leucine.
Molecular consequence: missense variant.
Genome position (GRCh38, 1-based): chr6:109,446,273, C>A on the plus strand (G>T on the coding strand, the complement: MICAL1 is on the minus strand). VCF-style: chr6-109446273-C-A. GRCh37 (hg19) VCF-style: chr6-109767476-C-A.
Other names: c.2186G>T, p.Arg729Leu (NM_001159291.2); c.2501G>T, p.Arg834Leu (NM_001286613.2); short protein forms R729L, R815L, R834L.
Identifiers: ClinVar variation 1969207 (VCV001969207.5), dbSNP rs567174912, ClinGen allele CA3952892.
Genomic context (GRCh38, chr6:109,446,273, plus strand): 5'-CGGGGAGGCTTGGGTGGAGGCTCCATTTCCGGGTCAGGGGTAAGGTTAAGGGAGGACAAC[C>A]GCTGGCGCTCCGGGCTGGAGAGGCGGATCTGCCGACGGGTGGGCTGGCTGGGATCTGGAA-3'
Protein context (NP_073602.3, residues 805-825): QIRLSSPERQ[Arg815Leu]LSSLNLTPDP